The following is an entry in ClinVar:

NM_000038.6(APC):c.7161T>C (p.Asn2387=)

Gene: APC (APC regulator of Wnt signaling pathway; plus strand). Cytogenetic location: 5q22.2.
Variant type: single nucleotide variant.
Coding change: c.7161T>C on transcript NM_000038.6 (MANE Select); coding-DNA position 7161, T replaced by C.
Protein change: p.Asn2387=; no amino-acid change (asparagine 2387 retained).
Molecular consequence: synonymous variant.
Genome position (GRCh38, 1-based): chr5:112,842,755, T>C. VCF-style: chr5-112842755-T-C. GRCh37 (hg19) VCF-style: chr5-112178452-T-C.
Other names: c.7161T>C, p.Asn2387= (NM_001127510.3, NM_001354895.2); c.7107T>C, p.Asn2369= (NM_001127511.3); c.7215T>C, p.Asn2405= (NM_001354896.2); c.7191T>C, p.Asn2397= (NM_001354897.2); c.7086T>C, p.Asn2362= (NM_001354898.2); c.7077T>C, p.Asn2359= (NM_001354899.2); c.7038T>C, p.Asn2346= (NM_001354900.2); c.6984T>C, p.Asn2328= (NM_001354901.2); and 5 more.
Identifiers: ClinVar variation 772925 (VCV000772925.17), dbSNP rs1580679289, ClinGen allele CA446210155.

ClinVar aggregate classification (germline): Benign/Likely benign. Review status: criteria provided, multiple submitters, no conflicts (2 of 4 stars). 5 submissions from 5 submitters: Benign (1); Likely benign (4). Last evaluated 2024-04-09.

Conditions:
Classic or attenuated familial adenomatous polyposis. Identifiers: MedGen CN372698, MONDO:0021057.
Familial adenomatous polyposis 1 (FAP1). Also called: FAMILIAL ADENOMATOUS POLYPOSIS 1, ATTENUATED; POLYPOSIS, ADENOMATOUS INTESTINAL. Identifiers: MedGen C2713442, MONDO:0021056, OMIM 175100. Disease mechanism: loss of function.
Hereditary cancer-predisposing syndrome. Also called: Neoplastic Syndromes, Hereditary; Hereditary Cancer Syndrome; Tumor predisposition; Hereditary neoplastic syndrome. Identifiers: Orphanet 140162, MedGen C0027672, MeSH D009386, MONDO:0015356.

Submissions (5):

Myriad Genetics, Inc.
Classification: Benign for Familial adenomatous polyposis 1. Last evaluated: 2024-04-09. Review status: criteria provided, single submitter. Criteria: Myriad Autosomal Dominant, Autosomal Recessive and X-Linked Classification Criteria (2023). Collection method: clinical testing. Allele origin: unknown.
Comment: This variant is considered benign. This variant is a silent/synonymous amino acid change and it is not expected to impact splicing.

Labcorp Genetics (formerly Invitae), Labcorp
Classification: Likely benign for Familial adenomatous polyposis 1. Last evaluated: 2024-01-06. Review status: criteria provided, single submitter. Criteria: Invitae Variant Classification Sherloc (09022015). Collection method: clinical testing. Allele origin: germline.

All of Us Research Program, National Institutes of Health
Classification: Likely benign for Classic or attenuated familial adenomatous polyposis. Last evaluated: 2023-05-16. Review status: criteria provided, single submitter. Criteria: ACMG Guidelines, 2015. Collection method: clinical testing. Allele origin: germline. Inheritance: Autosomal dominant inheritance. Observed: 1 variant allele, 1 heterozygote.
Comment: This study involves interpretation of variants in research participants for the purpose of population health screening. Participant phenotype was not available at the time of variant classification. Additional details can be found in publication PMID: 35346344, PMCID: PMC8962531

Ambry Genetics
Classification: Likely benign for Hereditary cancer-predisposing syndrome. Last evaluated: 2021-03-08. Review status: criteria provided, single submitter. Criteria: Ambry Variant Classification Scheme 2023. Collection method: clinical testing. Allele origin: germline.

Women's Health and Genetics/Laboratory Corporation of America, LabCorp
Classification: Likely benign. Last evaluated: 2019-10-10. Review status: criteria provided, single submitter. Criteria: LabCorp Variant Classification Summary - May 2015. Collection method: clinical testing. Allele origin: germline.